The following is an entry in ClinVar:

ClinVar aggregate classification (germline): Uncertain significance (1 of 4 stars; one submission).

Conditions:
Distal myopathy with posterior leg and anterior hand involvement. Also called: WILLIAMS DISTAL MYOPATHY. Identifiers: Orphanet 63273, MedGen C3279722, MONDO:0013550, OMIM 614065.
Hypertrophic cardiomyopathy 26. Also called: Cardiomyopathy, familial hypertrophic, 26. Identifiers: Orphanet 75249, MedGen C4310749, MONDO:0014883, OMIM 617047.
Myofibrillar myopathy 5. Also called: Filaminopathy (type); FILAMINOPATHY, AUTOSOMAL DOMINANT. Identifiers: Orphanet 171445, MedGen C1836050, MONDO:0012289, OMIM 609524.

Submission:

Labcorp Genetics (formerly Invitae), Labcorp
Classification: Uncertain significance for Distal myopathy with posterior leg and anterior hand involvement; Myofibrillar myopathy 5; Hypertrophic cardiomyopathy 26. Last evaluated: 2024-04-03. Review status: criteria provided, single submitter. Criteria: Invitae Variant Classification Sherloc (09022015). Collection method: clinical testing. Allele origin: germline.
Comment: This sequence change falls in intron 12 of the FLNC gene. It does not directly change the encoded amino acid sequence of the FLNC protein. It affects a nucleotide within the consensus splice site. This variant is not present in population databases (gnomAD no frequency). This variant has not been reported in the literature in individuals affected with FLNC-related conditions. Variants that disrupt the consensus splice site are a relatively common cause of aberrant splicing (PMID: 17576681, 9536098). Algorithms developed to predict the effect of sequence changes on RNA splicing suggest that this variant is not likely to affect RNA splicing. In summary, the available evidence is currently insufficient to determine the role of this variant in disease. Therefore, it has been classified as a Variant of Uncertain Significance.

Literature cited by the submitters: PubMed 17576681; PubMed 9536098.

NM_001458.5(FLNC):c.2007+6G>C

Gene: FLNC (filamin C; plus strand). Cytogenetic location: 7q32.1.
Variant type: single nucleotide variant.
Coding change: c.2007+6G>C on transcript NM_001458.5 (MANE Select); 6 bases into the intron after coding-DNA position 2007, G replaced by C.
Molecular consequence: intron variant.
Genome position (GRCh38, 1-based): chr7:128,841,369, G>C. VCF-style: chr7-128841369-G-C. GRCh37 (hg19) VCF-style: chr7-128481423-G-C.
Other names: c.2007+6G>C (NM_001127487.2).
Identifiers: ClinVar variation 3755675 (VCV003755675.2).